The following is an entry in ClinVar:

ClinVar aggregate classification (germline): Pathogenic (1 of 4 stars; one submission).

Conditions:
Haddad syndrome (OHD). Also called: Ondine-Hirschsprung disease. Identifiers: Orphanet 99803, MedGen C1859049, MONDO:0020493.

Submission:

Labcorp Genetics (formerly Invitae), Labcorp
Classification: Pathogenic for Haddad syndrome. Last evaluated: 2023-03-16. Review status: criteria provided, single submitter. Criteria: Invitae Variant Classification Sherloc (09022015). Collection method: clinical testing. Allele origin: germline.
Comment: For these reasons, this variant has been classified as Pathogenic. This variant disrupts a region of the PHOX2B protein in which other variant(s) (p.Gly234Alafs*78) have been determined to be pathogenic (PMID: 15657873, 17637745, 26375764, 29696799, 30092902). This suggests that this is a clinically significant region of the protein, and that variants that disrupt it are likely to be disease-causing. This variant has not been reported in the literature in individuals affected with PHOX2B-related conditions. This variant is not present in population databases (gnomAD no frequency). This sequence change creates a premature translational stop signal (p.Ala161Argfs*149) in the PHOX2B gene. While this is not anticipated to result in nonsense mediated decay, it is expected to disrupt the last 154 amino acid(s) of the PHOX2B protein.

Literature cited by the submitters: PubMed 15657873; PubMed 17637745; PubMed 26375764; PubMed 29696799; PubMed 30092902.

NM_003924.4(PHOX2B):c.479_480dup (p.Ala161fs)

Gene: PHOX2B (paired like homeobox 2B; minus strand). Cytogenetic location: 4p13.
Variant type: Duplication.
Coding change: c.479_480dup on transcript NM_003924.4 (MANE Select); coding-DNA positions 479 to 480, 2 bases duplicated (CG; older notation c.479_480dupCG).
Protein change: p.Ala161fs; shifts the reading frame from alanine 161.
Molecular consequence: frameshift variant.
Genome position (GRCh38, 1-based): chr4:41,746,272-41,746,273, CG duplicated on the plus strand (CG on the coding strand, the reverse complement: PHOX2B is on the minus strand); duplicating any 2 consecutive bases within chr4:41,746,272-41,746,274 gives the same sequence; the c. name uses the placement nearest the transcript's 3' end. VCF-style (leftmost placement, unchanged base first): chr4-41746271-C-CCG. GRCh37 (hg19) VCF-style: chr4-41748288-C-CCG.
Other names: short protein forms A161fs.
Identifiers: ClinVar variation 2846183 (VCV002846183.3), dbSNP rs2552096897, ClinGen allele CA2739270047.